The following is an entry in ClinVar:

ClinVar aggregate classification (germline): Uncertain significance (1 of 4 stars; one submission).

Conditions:
Autosomal dominant hypocalcemia 1 (HYPOC1). Also called: HYPOCALCEMIA, FAMILIAL. Identifiers: MedGen C3715128, MONDO:0011013, OMIM 601198.
Familial hypocalciuric hypercalcemia (FHH). Also called: Familial benign hypercalcemia. Identifiers: Orphanet 405, MedGen C1809471, MONDO:0018458.

Submission:

Labcorp Genetics (formerly Invitae), Labcorp
Classification: Uncertain significance for Familial hypocalciuric hypercalcemia; Autosomal dominant hypocalcemia 1. Last evaluated: 2018-07-20. Review status: criteria provided, single submitter. Criteria: Invitae Variant Classification Sherloc (09022015). Collection method: clinical testing. Allele origin: germline.
Comment: In summary, the available evidence is currently insufficient to determine the role of this variant in disease. Therefore, it has been classified as a Variant of Uncertain Significance. Algorithms developed to predict the effect of missense changes on protein structure and function are either unavailable or do not agree on the potential impact of this missense change (SIFT: "Deleterious"; PolyPhen-2: "Possibly Damaging"; Align-GVGD: "Class C0"). This variant has not been reported in the literature in individuals with CASR-related disease. This sequence change replaces isoleucine with leucine at codon 859 of the CASR protein (p.Ile859Leu). The isoleucine residue is highly conserved and there is a small physicochemical difference between isoleucine and leucine. This variant is not present in population databases (ExAC no frequency).

NM_000388.4(CASR):c.2575A>C (p.Ile859Leu)

Gene: CASR (calcium sensing receptor; plus strand). Cytogenetic location: 3q21.1.
Variant type: single nucleotide variant.
Coding change: c.2575A>C on transcript NM_000388.4 (MANE Select); coding-DNA position 2575, A replaced by C.
Protein change: p.Ile859Leu; replaces isoleucine 859 with leucine.
Molecular consequence: missense variant.
Genome position (GRCh38, 1-based): chr3:122,284,529, A>C. VCF-style: chr3-122284529-A-C. GRCh37 (hg19) VCF-style: chr3-122003376-A-C.
Other names: c.2605A>C, p.Ile869Leu (NM_001178065.2); short protein forms I859L, I869L.
Identifiers: ClinVar variation 650208 (VCV000650208.9), dbSNP rs1576878156, ClinGen allele CA354160323.